The following is an entry in ClinVar:

NM_000130.5(F5):c.490G>T (p.Asp164Tyr)

Gene: F5 (coagulation factor V; minus strand). Cytogenetic location: 1q24.2.
Variant type: single nucleotide variant.
Coding change: c.490G>T on transcript NM_000130.5 (MANE Select); coding-DNA position 490, G replaced by T.
Protein change: p.Asp164Tyr; replaces aspartic acid 164 with tyrosine.
Molecular consequence: missense variant.
Genome position (GRCh38, 1-based): chr1:169,560,650, C>A on the plus strand (G>T on the coding strand, the complement: F5 is on the minus strand). VCF-style: chr1-169560650-C-A. GRCh37 (hg19) VCF-style: chr1-169529888-C-A.
Other names: p.Asp164Tyr; short protein forms D164Y.
Identifiers: ClinVar variation 4541882 (VCV004541882.1).

ClinVar aggregate classification (germline): Uncertain significance (1 of 4 stars; one submission).

Submission:

Mayo Clinic Laboratories, Mayo Clinic
Classification: Uncertain significance. Last evaluated: 2024-12-10. Review status: criteria provided, single submitter. Criteria: ACMG Guidelines, 2015. Collection method: clinical testing. Allele origin: germline. Observed: 1 variant allele.
Comment: PP3_moderate, PM2_supporting